The following is an entry in ClinVar:

ClinVar aggregate classification (germline): Uncertain significance. Review status: criteria provided, multiple submitters, no conflicts (2 of 4 stars). 2 submissions from 2 submitters: Uncertain significance (2). Last evaluated 2026-02-02.

Conditions:
Inborn genetic diseases. Identifiers: MedGen C0950123, MeSH D030342.

Allele frequency attached by ClinVar (database versions not stated): ExAC 0.00001; gnomAD exomes 0.00003; ESP Exome Variant Server 0.00008.
gnomAD v4.1: 54 of 1,613,508 alleles (0.0033%); highest among the groups gnomAD compares: Admixed American, 0.012%; no homozygotes.

Submissions (2):

Labcorp Genetics (formerly Invitae), Labcorp
Classification: Uncertain significance. Last evaluated: 2026-02-02. Review status: criteria provided, single submitter. Criteria: Invitae Variant Classification Sherloc (09022015). Collection method: clinical testing. Allele origin: germline.
Comment: This sequence change replaces serine, which is neutral and polar, with asparagine, which is neutral and polar, at codon 1682 of the LAMB1 protein (p.Ser1682Asn). This variant is present in population databases (rs376541869, gnomAD 0.007%). This variant has not been reported in the literature in individuals affected with LAMB1-related conditions. ClinVar contains an entry for this variant (Variation ID: 1355670). An algorithm developed to predict the effect of missense changes on protein structure and function outputs the following: PolyPhen-2: "Benign". The asparagine amino acid residue is found in multiple mammalian species, which suggests that this missense change does not adversely affect protein function. In summary, the available evidence is currently insufficient to determine the role of this variant in disease. Therefore, it has been classified as a Variant of Uncertain Significance.

Ambry Genetics
Classification: Uncertain significance for Inborn genetic diseases. Last evaluated: 2025-08-30. Review status: criteria provided, single submitter. Criteria: Ambry Variant Classification Scheme 2023. Collection method: clinical testing. Allele origin: germline.

NM_002291.3(LAMB1):c.5045G>A (p.Ser1682Asn)

Gene: LAMB1 (laminin subunit beta 1; minus strand). Cytogenetic location: 7q31.1.
Variant type: single nucleotide variant.
Coding change: c.5045G>A on transcript NM_002291.3 (MANE Select); coding-DNA position 5045, G replaced by A.
Protein change: p.Ser1682Asn; replaces serine 1682 with asparagine.
Molecular consequence: missense variant.
Genome position (GRCh38, 1-based): chr7:107,926,202, C>T on the plus strand (G>A on the coding strand, the complement: LAMB1 is on the minus strand). VCF-style: chr7-107926202-C-T. GRCh37 (hg19) VCF-style: chr7-107566647-C-T.
Other names: c.5045G>A (NM_002291.2); short protein forms S1682N.
Identifiers: ClinVar variation 1355670 (VCV001355670.8), dbSNP rs376541869, ClinGen allele CA4434859.